The following is an entry in ClinVar:

ClinVar aggregate classification (germline): Uncertain significance (1 of 4 stars; one submission).

Submission:

GeneDx
Classification: Uncertain significance. Last evaluated: 2022-12-13. Review status: criteria provided, single submitter. Criteria: GeneDx Variant Classification Process June 2021. Collection method: clinical testing. Allele origin: germline. Affected: yes.
Comment: Not observed at significant frequency in large population cohorts (gnomAD); In silico analysis supports that this missense variant does not alter protein structure/function; Has not been previously published as pathogenic or benign to our knowledge

NM_001042424.3(NSD2):c.916G>A (p.Glu306Lys)

Gene: NSD2 (nuclear receptor binding SET domain protein 2; plus strand). Cytogenetic location: 4p16.3.
Variant type: single nucleotide variant.
Coding change: c.916G>A on transcript NM_001042424.3 (MANE Select); coding-DNA position 916, G replaced by A.
Protein change: p.Glu306Lys; replaces glutamic acid 306 with lysine.
Molecular consequence: missense variant.
Genome position (GRCh38, 1-based): chr4:1,917,026, G>A. VCF-style: chr4-1917026-G-A. GRCh37 (hg19) VCF-style: chr4-1918753-G-A.
Other names: c.916G>A, p.Glu306Lys (NM_007331.2, NM_133330.3, NM_133331.3 and 2 more transcripts); short protein forms E306K.
Identifiers: ClinVar variation 2505945 (VCV002505945.1), dbSNP rs2474331525, ClinGen allele CA356002353.